The following is an entry in ClinVar:

ClinVar aggregate classification (germline): Conflicting classifications of pathogenicity. Review status: criteria provided, conflicting classifications (1 of 4 stars). 3 submissions from 3 submitters: Pathogenic (1); Likely pathogenic (1); Uncertain significance (1). Last evaluated 2026-09-10.

Conditions:
WASHC5-related disorder. Also called: WASHC5-related condition.
Ritscher-Schinzel syndrome. Also called: CRANIOCEREBELLOCARDIAC DYSPLASIA. Identifiers: Orphanet 7, MedGen C0796137, MONDO:0019078.
Hereditary spastic paraplegia 8 (SPG8). Also called: SPASTIC PARAPLEGIA 8, AUTOSOMAL DOMINANT. Identifiers: Orphanet 100989, MedGen C1863704, MONDO:0011339, OMIM 603563.

Allele frequency attached by ClinVar (database versions not stated): gnomAD exomes 0.00002; TOPMed 0.00004; ExAC 0.00007; ESP Exome Variant Server 0.00008.
gnomAD v4.1: 11 of 1,614,026 alleles (0.00068%); highest among the groups gnomAD compares: Non-Finnish European, 0.00085%; no homozygotes.

Submissions (3):

PreventionGenetics, part of Exact Sciences
Classification: Likely pathogenic for WASHC5-related condition. Last evaluated: 2026-09-10. Review status: criteria provided, single submitter. Criteria: ACMG Guidelines, 2015. Collection method: clinical testing. Allele origin: germline.
Comment: The WASHC5 c.633T>G variant is predicted to result in premature protein termination (p.Tyr211*). To our knowledge, this variant has not been reported in the literature. This variant is reported in 0.0062% of alleles in individuals of European (non-Finnish) descent in gnomAD. Nonsense variants in WASHC5 are expected to be pathogenic. This variant is interpreted as likely pathogenic for autosomal recessive WASHC5-related disorders.

Labcorp Genetics (formerly Invitae), Labcorp
Classification: Pathogenic for Ritscher-Schinzel syndrome; Hereditary spastic paraplegia 8. Last evaluated: 2023-04-24. Review status: criteria provided, single submitter. Criteria: Invitae Variant Classification Sherloc (09022015). Collection method: clinical testing. Allele origin: germline.
Comment: This variant has not been reported in the literature in individuals affected with WASHC5-related conditions. This sequence change creates a premature translational stop signal (p.Tyr211*) in the WASHC5 gene. It is expected to result in an absent or disrupted protein product. Loss-of-function variants in WASHC5 are known to be pathogenic (PMID: 24065355). This variant is present in population databases (rs150749307, gnomAD 0.006%). For these reasons, this variant has been classified as Pathogenic.

Blueprint Genetics
Classification: Uncertain significance. Last evaluated: 2021-11-02. Review status: criteria provided, single submitter. Criteria: ACMG Guidelines, 2015. Collection method: clinical testing. Allele origin: germline.

Literature cited by the submitters: PubMed 24065355 (cited by Labcorp Genetics (formerly Invitae), Labcorp).

NM_014846.4(WASHC5):c.633T>G (p.Tyr211Ter)

Gene: WASHC5 (WASH complex subunit 5; minus strand). Cytogenetic location: 8q24.13.
Variant type: single nucleotide variant.
Coding change: c.633T>G on transcript NM_014846.4 (MANE Select); coding-DNA position 633, T replaced by G.
Protein change: p.Tyr211Ter; replaces tyrosine 211 with a stop codon.
Molecular consequence: nonsense.
Genome position (GRCh38, 1-based): chr8:125,078,816, A>C on the plus strand (T>G on the coding strand, the complement: WASHC5 is on the minus strand). VCF-style: chr8-125078816-A-C. GRCh37 (hg19) VCF-style: chr8-126091058-A-C.
Other names: c.633T>G (NM_014846.3); c.189T>G, p.Tyr63Ter (NM_001330609.2); short protein forms Y211*, Y63*.
Identifiers: ClinVar variation 2926285 (VCV002926285.5), dbSNP rs150749307, ClinGen allele CA4874061.